The following is an entry in ClinVar:

NM_002087.4(GRN):c.1446C>A (p.Cys482Ter)

Gene: GRN (granulin precursor; plus strand). Cytogenetic location: 17q21.31.
Variant type: single nucleotide variant.
Coding change: c.1446C>A on transcript NM_002087.4 (MANE Select); coding-DNA position 1446, C replaced by A.
Protein change: p.Cys482Ter; replaces cysteine 482 with a stop codon.
Molecular consequence: nonsense.
Genome position (GRCh38, 1-based): chr17:44,352,373, C>A. VCF-style: chr17-44352373-C-A. GRCh37 (hg19) VCF-style: chr17-42429741-C-A.
Other names: short protein forms C482*.
Identifiers: ClinVar variation 599613 (VCV000599613.1), dbSNP rs1567888461, ClinGen allele CA399769785.

ClinVar aggregate classification (germline): Pathogenic (1 of 4 stars; one submission).

Conditions:
Frontotemporal dementia (FTD1). Also called: Frontotemporal lobe dementia (FLDEM); Frontotemporal Dementia with Parkinsonism-17 (FTDP-17); FRONTOTEMPORAL DEMENTIA WITH PARKINSONISM; FRONTOTEMPORAL LOBE DEMENTIA; MULTIPLE SYSTEM TAUOPATHY WITH PRESENILE DEMENTIA; WILHELMSEN-LYNCH DISEASE. Identifiers: Orphanet 282, MedGen C0338451, MONDO:0017276, OMIM 600274, HP:0002145.

Allele frequency attached by ClinVar (database versions not stated): gnomAD exomes below 0.00001; TOPMed below 0.00001; gnomAD 0.00001.
gnomAD v4.1: 2 of 1,613,640 alleles (0.00012%); highest among the groups gnomAD compares: Non-Finnish European, 0.00017%; no homozygotes.

Submission:

Human Genetics Group at Institute of Prion Diseases London, University College London
Classification: Pathogenic for Frontotemporal dementia. Last evaluated: 2017-02-01. Review status: criteria provided, single submitter. Criteria: Koriath et al. 2018. Collection method: clinical testing. Allele origin: unknown. Affected: yes. Observed: 1 variant allele.
Comment: This result confirms the diagnosis of a GRN-related dementia. This substitution in granulin exon 12 causes a premature STOP codon. Although this specific sequence change has not been previously reported, several pathogenic nonsense and frameshift mutations in GRN causing similar protein effects have been described in the literature1.

Confirmed by Sanger sequencing